The following is an entry in ClinVar:

ClinVar aggregate classification (germline): Pathogenic (1 of 4 stars; one submission).

Conditions:
Hereditary breast ovarian cancer syndrome. Also called: Hereditary breast and ovarian cancer syndrome (HBOC); Hereditary breast and ovarian cancer; Breast and ovarian cancer; BRCA1- and BRCA2-Associated Hereditary Breast and Ovarian Cancer; Hereditary breast and ovarian cancer syndrome; Hereditary breast and/or ovarian cancer syndrome. Identifiers: Orphanet 145, MedGen C0677776, MeSH D061325, MONDO:0003582. Disease mechanism: loss of function.

Submission:

Labcorp Genetics (formerly Invitae), Labcorp
Classification: Pathogenic for Hereditary breast ovarian cancer syndrome. Last evaluated: 2019-09-06. Review status: criteria provided, single submitter. Criteria: Invitae Variant Classification Sherloc (09022015). Collection method: clinical testing. Allele origin: germline.
Comment: This variant has not been reported in the literature in individuals with BRCA2-related conditions. Loss-of-function variants in BRCA2 are known to be pathogenic (PMID: 20104584). For these reasons, this variant has been classified as Pathogenic. This variant is not present in population databases (ExAC no frequency). This sequence change creates a premature translational stop signal (p.Leu2654Phefs*3) in the BRCA2 gene. It is expected to result in an absent or disrupted protein product.

Literature cited by the submitters: PubMed 20104584.

NM_000059.4(BRCA2):c.7959del (p.Leu2654fs)

Gene: BRCA2 (BRCA2 DNA repair associated; plus strand). Cytogenetic location: 13q13.1.
Variant type: Deletion.
Coding change: c.7959del on transcript NM_000059.4 (MANE Select); coding-DNA position 7959, one base deleted (T; older notation c.7959delT).
Protein change: p.Leu2654fs; shifts the reading frame from leucine 2654.
Molecular consequence: frameshift variant.
Genome position (GRCh38, 1-based): chr13:32,362,676, T deleted; the last of 2 consecutive T bases (chr13:32,362,675-32,362,676); deleting either gives the same sequence. VCF-style (leftmost placement, unchanged base first): chr13-32362674-CT-C. GRCh37 (hg19) VCF-style: chr13-32936811-CT-C.
Other names: short protein forms L2654fs.
Identifiers: ClinVar variation 943661 (VCV000943661.8), dbSNP rs1566244965, ClinGen allele CA1139663136.